The following is an entry in ClinVar:

NM_017636.4(TRPM4):c.3464T>G (p.Val1155Gly)

Gene: TRPM4 (transient receptor potential cation channel subfamily M member 4; plus strand). Cytogenetic location: 19q13.33.
Variant type: single nucleotide variant.
Coding change: c.3464T>G on transcript NM_017636.4 (MANE Select); coding-DNA position 3464, T replaced by G.
Protein change: p.Val1155Gly; replaces valine 1155 with glycine.
Molecular consequence: missense variant.
Genome position (GRCh38, 1-based): chr19:49,211,017, T>G. VCF-style: chr19-49211017-T-G. GRCh37 (hg19) VCF-style: chr19-49714274-T-G.
Other names: c.3029T>G, p.Val1010Gly (NM_001195227.2); c.3119T>G, p.Val1040Gly (NM_001321281.2); c.1856T>G, p.Val619Gly (NM_001321282.2); c.2942T>G, p.Val981Gly (NM_001321283.2); c.2402T>G, p.Val801Gly (NM_001321285.2); short protein forms V801G, V981G, V1040G, V1010G, V619G, V1155G.
Identifiers: ClinVar variation 4762507 (VCV004762507.1).

ClinVar aggregate classification (germline): Uncertain significance (1 of 4 stars; one submission).

Conditions:
Progressive familial heart block type IB (PFHB1B). Identifiers: Orphanet 871, MedGen C1970298, MONDO:0011474, OMIM 604559.

Submission:

Labcorp Genetics (formerly Invitae), Labcorp
Classification: Uncertain significance for Progressive familial heart block type IB. Last evaluated: 2025-02-23. Review status: criteria provided, single submitter. Criteria: Invitae Variant Classification Sherloc (09022015). Collection method: clinical testing. Allele origin: germline.
Comment: This sequence change replaces valine, which is neutral and non-polar, with glycine, which is neutral and non-polar, at codon 1155 of the TRPM4 protein (p.Val1155Gly). This variant is not present in population databases (gnomAD no frequency). This variant has not been reported in the literature in individuals affected with TRPM4-related conditions. An algorithm developed to predict the effect of missense changes on protein structure and function (PolyPhen-2) suggests that this variant is likely to be disruptive. In summary, the available evidence is currently insufficient to determine the role of this variant in disease. Therefore, it has been classified as a Variant of Uncertain Significance.